The following is an entry in ClinVar:

ClinVar aggregate classification (germline): Benign. Review status: criteria provided, multiple submitters, no conflicts (2 of 4 stars). 3 submissions from 3 submitters: Benign (2). 1 of the submissions does not count toward it. Last evaluated 2025-11-09.

Conditions:
IGSF10-related disorder. Also called: IGSF10-related condition.

Allele frequency attached by ClinVar (database versions not stated): gnomAD exomes 0.00031 and 0.00094; ExAC 0.00097; gnomAD 0.00340 and 0.00362; ESP Exome Variant Server 0.00346; TOPMed 0.00366; 1000 Genomes Project 0.00519; 1000 Genomes Project 30x 0.00547.
gnomAD v4.1: 984 of 1,614,098 alleles (0.061%); highest among the groups gnomAD compares: African/African-American, 1.2%; 5 homozygotes.

Submissions (3):

Labcorp Genetics (formerly Invitae), Labcorp
Classification: Benign. Last evaluated: 2025-11-09. Review status: criteria provided, single submitter. Criteria: Invitae Variant Classification Sherloc (09022015). Collection method: clinical testing. Allele origin: germline.

Breakthrough Genomics
Classification: Benign. Review status: criteria provided, single submitter. Criteria: ACMG Guidelines, 2015. Collection method: not provided. Allele origin: germline. Inheritance: Unknown mechanism. Affected: yes.

PreventionGenetics, part of Exact Sciences
Classification: Likely benign for IGSF10-related condition. Last evaluated: 2019-03-06. Review status: no assertion criteria provided. Collection method: clinical testing. Allele origin: germline. Not counted in ClinVar's aggregate classification.
Comment: This variant is classified as likely benign based on ACMG/AMP sequence variant interpretation guidelines (Richards et al. 2015 PMID: 25741868, with internal and published modifications).

NM_178822.5(IGSF10):c.1999C>A (p.Gln667Lys)

Gene: IGSF10 (immunoglobulin superfamily member 10; minus strand). Cytogenetic location: 3q25.1.
Variant type: single nucleotide variant.
Coding change: c.1999C>A on transcript NM_178822.5 (MANE Select); coding-DNA position 1999, C replaced by A.
Protein change: p.Gln667Lys; replaces glutamine 667 with lysine.
Molecular consequence: missense variant.
Genome position (GRCh38, 1-based): chr3:151,447,982, G>T on the plus strand (C>A on the coding strand, the complement: IGSF10 is on the minus strand). VCF-style: chr3-151447982-G-T. GRCh37 (hg19) VCF-style: chr3-151165770-G-T.
Other names: c.1999C>A, p.Gln667Lys (NM_001385060.1, NM_001385061.1, NM_001385062.1 and 1 more transcripts); short protein forms Q667K.
Identifiers: ClinVar variation 790546 (VCV000790546.12), dbSNP rs116368012, ClinGen allele CA2670432.